The following is an entry in ClinVar:

NM_001922.5(DCT):c.229C>G (p.Leu77Val)

Gene: DCT (dopachrome tautomerase; minus strand). Cytogenetic location: 13q32.1.
Variant type: single nucleotide variant.
Coding change: c.229C>G on transcript NM_001922.5 (MANE Select); coding-DNA position 229, C replaced by G.
Protein change: p.Leu77Val; replaces leucine 77 with valine.
Molecular consequence: missense variant. On other transcripts: intron variant (5).
Genome position (GRCh38, 1-based): chr13:94,479,027, G>C on the plus strand (C>G on the coding strand, the complement: DCT is on the minus strand). VCF-style: chr13-94479027-G-C. GRCh37 (hg19) VCF-style: chr13-95131281-G-C.
Other names: c.229C>G, p.Leu77Val (NM_001129889.3); c.-338-12369C>G (NM_001322182.2); c.-638-9982C>G (NM_001322185.2, NM_001322184.2); c.-339+10350C>G (NM_001322183.2); c.107-9982C>G (NM_001322186.2); short protein forms L77V.
Identifiers: ClinVar variation 3352012 (VCV003352012.1).
Genomic context (GRCh38, chr13:94,479,027, plus strand): 5'-ACTTGCAGGTCCGGTGGAAGAATTTTCTTGGCCACAGCTCACGGTCATCCTGGTTTCGTA[G>C]GATGTAGGGACCACTCCAGGGCCTTGTGTCGGCTCGCACCTCTGTGCACTGCCCCCGGCC-3'
Protein context (NP_001913.2, residues 67-87): DTRPWSGPYI[Leu77Val]RNQDDRELWP

ClinVar aggregate classification (germline): Uncertain significance (0 of 4 stars; one submission).

Conditions:
DCT-related disorder. Also called: DCT-related condition.

gnomAD v4.1: 20 of 1,614,070 alleles (0.0012%); highest among the groups gnomAD compares: Middle Eastern, 0.033%; 1 homozygote.

Submission:

PreventionGenetics, part of Exact Sciences
Classification: Uncertain significance for DCT-related condition. Last evaluated: 2024-07-26. Review status: no assertion criteria provided. Collection method: clinical testing. Allele origin: germline.
Comment: The DCT c.229C>G variant is predicted to result in the amino acid substitution p.Leu77Val. To our knowledge, this variant has not been reported in the literature. This variant is reported in 0.0033% of alleles in individuals of South Asian descent in gnomAD. At this time, the clinical significance of this variant is uncertain due to the absence of conclusive functional and genetic evidence.